The following is an entry in ClinVar:

NM_005560.6(LAMA5):c.10867G>A (p.Ala3623Thr)

Gene: LAMA5 (laminin subunit alpha 5; minus strand). Cytogenetic location: 20q13.33.
Variant type: single nucleotide variant.
Coding change: c.10867G>A on transcript NM_005560.6 (MANE Select); coding-DNA position 10867, G replaced by A.
Protein change: p.Ala3623Thr; replaces alanine 3623 with threonine.
Molecular consequence: missense variant.
Genome position (GRCh38, 1-based): chr20:62,309,797, C>T on the plus strand (G>A on the coding strand, the complement: LAMA5 is on the minus strand). VCF-style: chr20-62309797-C-T. GRCh37 (hg19) VCF-style: chr20-60884853-C-T.
Other names: p.Ala3623Thr; short protein forms A3623T.
Identifiers: ClinVar variation 2080959 (VCV002080959.5), dbSNP rs200525579, ClinGen allele CA9939562.
Genomic context (GRCh38, chr20:62,309,797, plus strand): 5'-GAGGGGCTGGGGCACCAGCTGCAGCCGCCAGCAAGGGGCCCACGGTGTGGTTGCTCTGCG[C>T]GTCCACCTCCAGCCGGAGCACATTCCCGCTTTTCATCACTGGGAGAAAGGGGGACTCCTG-3'
Protein context (NP_005551.3, residues 3613-3633): SGNVLRLEVD[Ala3623Thr]QSNHTVGPLL

ClinVar aggregate classification (germline): Conflicting classifications of pathogenicity. Review status: criteria provided, conflicting classifications (1 of 4 stars). 3 submissions from 3 submitters: Uncertain significance (2); Likely benign (1). Last evaluated 2024-12-16.

Conditions:
Inborn genetic diseases. Identifiers: MedGen C0950123, MeSH D030342.

Allele frequency attached by ClinVar (database versions not stated): 1000 Genomes Project 30x 0.00031; ESP Exome Variant Server 0.00031; ExAC 0.00034; 1000 Genomes Project 0.00040.
gnomAD v4.1: 366 of 1,610,490 alleles (0.023%); highest among the groups gnomAD compares: Middle Eastern, 0.18%; 1 homozygote.

Submissions (3):

Labcorp Genetics (formerly Invitae), Labcorp
Classification: Uncertain significance. Last evaluated: 2024-12-16. Review status: criteria provided, single submitter. Criteria: Invitae Variant Classification Sherloc (09022015). Collection method: clinical testing. Allele origin: germline.
Comment: This sequence change replaces alanine, which is neutral and non-polar, with threonine, which is neutral and polar, at codon 3623 of the LAMA5 protein (p.Ala3623Thr). This variant is present in population databases (rs200525579, gnomAD 0.1%). This variant has not been reported in the literature in individuals affected with LAMA5-related conditions. ClinVar contains an entry for this variant (Variation ID: 2080959). Invitae Evidence Modeling of protein sequence and biophysical properties (such as structural, functional, and spatial information, amino acid conservation, physicochemical variation, residue mobility, and thermodynamic stability) indicates that this missense variant is not expected to disrupt LAMA5 protein function with a negative predictive value of 80%. In summary, the available evidence is currently insufficient to determine the role of this variant in disease. Therefore, it has been classified as a Variant of Uncertain Significance.

Mayo Clinic Laboratories, Mayo Clinic
Classification: Uncertain significance. Last evaluated: 2024-06-03. Review status: criteria provided, single submitter. Criteria: ACMG Guidelines, 2015. Collection method: clinical testing. Allele origin: germline. Observed: 1 variant allele.
Comment: BP4

Ambry Genetics
Classification: Likely benign for Inborn genetic diseases. Last evaluated: 2022-11-17. Review status: criteria provided, single submitter. Criteria: Ambry Variant Classification Scheme 2023. Collection method: clinical testing. Allele origin: germline.